The following is an entry in ClinVar:

NM_004385.5(VCAN):c.8429C>A (p.Thr2810Lys)

Genes: VCAN (versican; plus strand), VCAN-AS1 (VCAN antisense RNA 1; minus strand). Cytogenetic location: 5q14.3.
Variant type: single nucleotide variant.
Coding change: c.8429C>A on transcript NM_004385.5 (MANE Select); coding-DNA position 8429, C replaced by A.
Protein change: p.Thr2810Lys; replaces threonine 2810 with lysine.
Molecular consequence: missense variant. On other transcripts: intron variant (2).
Genome position (GRCh38, 1-based): chr5:83,541,432, C>A. VCF-style: chr5-83541432-C-A. GRCh37 (hg19) VCF-style: chr5-82837251-C-A.
Other names: c.5468C>A, p.Thr1823Lys (NM_001164097.2); c.4004-4105C>A (NM_001164098.2); c.1043-4105C>A (NM_001126336.3); c.8429C>A (NM_004385.4); short protein forms T1823K, T2810K.
Identifiers: ClinVar variation 2128070 (VCV002128070.5), dbSNP rs749368703, ClinGen allele CA360293302.
Genomic context (GRCh38, chr5:83,541,432, plus strand): 5'-AGAGTGTAACAGAGGTGCCTGATGTGATGGAAGGATCCAATCCCCCATATTACACTGATA[C>A]AACATTAGCAGTTTCAACATTTGCGAAGTTGTCTTCTCAGACACCATCATCTCCCCTCAC-3'
Protein context (NP_004376.2, residues 2800-2820): EGSNPPYYTD[Thr2810Lys]TLAVSTFAKL

ClinVar aggregate classification (germline): Uncertain significance. Review status: criteria provided, multiple submitters, no conflicts (2 of 4 stars). 2 submissions from 2 submitters: Uncertain significance (2). Last evaluated 2024-12-21.

Conditions:
Inborn genetic diseases. Identifiers: MedGen C0950123, MeSH D030342.

gnomAD v4.1: 5 of 1,614,042 alleles (0.00031%); highest among the groups gnomAD compares: Non-Finnish European, 0.00042%; no homozygotes.

Submissions (2):

Ambry Genetics
Classification: Uncertain significance for Inborn genetic diseases. Last evaluated: 2024-12-21. Review status: criteria provided, single submitter. Criteria: Ambry Variant Classification Scheme 2023. Collection method: clinical testing. Allele origin: germline.

Labcorp Genetics (formerly Invitae), Labcorp
Classification: Uncertain significance. Last evaluated: 2022-04-19. Review status: criteria provided, single submitter. Criteria: Invitae Variant Classification Sherloc (09022015). Collection method: clinical testing. Allele origin: germline.
Comment: In summary, the available evidence is currently insufficient to determine the role of this variant in disease. Therefore, it has been classified as a Variant of Uncertain Significance. Algorithms developed to predict the effect of missense changes on protein structure and function are either unavailable or do not agree on the potential impact of this missense change (SIFT: "Tolerated"; PolyPhen-2: "Possibly Damaging"; Align-GVGD: "Class C0"). This variant has not been reported in the literature in individuals affected with VCAN-related conditions. This variant is not present in population databases (gnomAD no frequency). This sequence change replaces threonine, which is neutral and polar, with lysine, which is basic and polar, at codon 2810 of the VCAN protein (p.Thr2810Lys).